The following is an entry in ClinVar:

ClinVar aggregate classification (germline): Uncertain significance (1 of 4 stars; one submission).

gnomAD v4.1: 20 of 1,614,132 alleles (0.0012%); highest among the groups gnomAD compares: Non-Finnish European, 0.0017%; no homozygotes.

Submission:

Labcorp Genetics (formerly Invitae), Labcorp
Classification: Uncertain significance. Last evaluated: 2020-03-06. Review status: criteria provided, single submitter. Criteria: Invitae Variant Classification Sherloc (09022015). Collection method: clinical testing. Allele origin: germline.
Comment: This sequence change replaces arginine with histidine at codon 480 of the ADAMTS10 protein (p.Arg480His). The arginine residue is highly conserved and there is a small physicochemical difference between arginine and histidine. This variant is not present in population databases (ExAC no frequency). This variant has not been reported in the literature in individuals with ADAMTS10-related conditions. Algorithms developed to predict the effect of missense changes on protein structure and function (SIFT, PolyPhen-2, Align-GVGD) all suggest that this variant is likely to be disruptive, but these predictions have not been confirmed by published functional studies and their clinical significance is uncertain. In summary, the available evidence is currently insufficient to determine the role of this variant in disease. Therefore, it has been classified as a Variant of Uncertain Significance.

NM_030957.4(ADAMTS10):c.1439G>A (p.Arg480His)

Gene: ADAMTS10 (ADAM metallopeptidase with thrombospondin type 1 motif 10; minus strand). Cytogenetic location: 19p13.2.
Variant type: single nucleotide variant.
Coding change: c.1439G>A on transcript NM_030957.4 (MANE Select); coding-DNA position 1439, G replaced by A.
Protein change: p.Arg480His; replaces arginine 480 with histidine.
Molecular consequence: missense variant.
Genome position (GRCh38, 1-based): chr19:8,595,802, C>T on the plus strand (G>A on the coding strand, the complement: ADAMTS10 is on the minus strand). VCF-style: chr19-8595802-C-T. GRCh37 (hg19) VCF-style: chr19-8660686-C-T.
Other names: short protein forms R480H.
Identifiers: ClinVar variation 1026469 (VCV001026469.8), dbSNP rs2042596120, ClinGen allele CA403754947.
Genomic context (GRCh38, chr19:8,595,802, plus strand): 5'-AGCAGGAAGACTCTCTCTACCCCGTATTTACACTGACGCGATTTGACTCCATGCTGAAAG[C>T]GGCATTGCTCATCTGCATCGTAGGCTTGGCCCGGTGCCACTGTCGGGTACACAAAGTCCT-3'
Protein context (NP_112219.3, residues 470-490): GQAYDADEQC[Arg480His]FQHGVKSRQC